The following is an entry in ClinVar:

NM_005751.5(AKAP9):c.8815T>C (p.Phe2939Leu)

Gene: AKAP9 (A-kinase anchoring protein 9; plus strand). Cytogenetic location: 7q21.2.
Variant type: single nucleotide variant.
Coding change: c.8815T>C on transcript NM_005751.5 (MANE Select); coding-DNA position 8815, T replaced by C.
Protein change: p.Phe2939Leu; replaces phenylalanine 2939 with leucine.
Molecular consequence: missense variant.
Genome position (GRCh38, 1-based): chr7:92,084,923, T>C. VCF-style: chr7-92084923-T-C. GRCh37 (hg19) VCF-style: chr7-91714237-T-C.
Other names: c.3460T>C, p.Phe1154Leu (NM_001379277.1); c.8791T>C, p.Phe2931Leu (NM_147185.3); short protein forms F1154L, F2939L, F2931L.
Identifiers: ClinVar variation 4613393 (VCV004613393.1).

ClinVar aggregate classification (germline): Uncertain significance (1 of 4 stars; one submission).

Conditions:
Cardiovascular phenotype. Identifiers: MedGen CN230736.

Submission:

Ambry Genetics
Classification: Uncertain significance for Cardiovascular phenotype. Last evaluated: 2025-10-14. Review status: criteria provided, single submitter. Criteria: Ambry Variant Classification Scheme 2023. Collection method: clinical testing. Allele origin: germline.
Comment: The p.F2939L variant (also known as c.8815T>C), located in coding exon 35 of the AKAP9 gene, results from a T to C substitution at nucleotide position 8815. The phenylalanine at codon 2939 is replaced by leucine, an amino acid with highly similar properties. This amino acid position is conserved. In addition, this alteration is predicted to be tolerated by in silico analysis. Based on the available evidence, the clinical significance of this variant remains unclear.